The following is an entry in ClinVar:

ClinVar aggregate classification (germline): Uncertain significance (1 of 4 stars; one submission).

Submission:

GeneDx
Classification: Uncertain significance. Last evaluated: 2016-12-05. Review status: criteria provided, single submitter. Criteria: GeneDx Variant Classification (06012015). Collection method: clinical testing. Allele origin: germline. Affected: yes.
Comment: The c.5873dupG variant in the CACNA1G gene has not been reported previously as a pathogenic variant nor as a benign variant, to our knowledge. The c.5873dupG variant causes a frameshift starting with codon Glutamine 1959, changes this amino acid to a Proline residue, and creates a premature Stop codon at position 22 of the new reading frame, denoted p.Gln1959ProfsX22. This variant is predicted to cause loss of normal protein function either through protein truncation or nonsense-mediated mRNA decay. The c.5873dupG variant was not observed in approximately 6,100 individuals of European and African American ancestry in the NHLBI Exome Sequencing Project, indicating it is not a common benign variant in these populations. We interpret c.5873dupG as a variant of uncertain significance.

NM_018896.5(CACNA1G):c.5873dup (p.Gln1959fs)

Gene: CACNA1G (calcium voltage-gated channel subunit alpha1 G; plus strand). Cytogenetic location: 17q21.33.
Variant type: Duplication.
Coding change: c.5873dup on transcript NM_018896.5 (MANE Select); coding-DNA position 5873, one base duplicated (G; older notation c.5873dupG).
Protein change: p.Gln1959fs; shifts the reading frame from glutamine 1959.
Molecular consequence: frameshift variant. On other transcripts: intron variant (20).
Genome position (GRCh38, 1-based): chr17:50,619,774, G duplicated; the last of 5 consecutive G bases (chr17:50,619,770-50,619,774); duplicating any one gives the same sequence. VCF-style (leftmost placement, unchanged base first): chr17-50619769-A-AG. GRCh37 (hg19) VCF-style: chr17-48697130-A-AG.
Other names: c.5819dup, p.Gln1941fs (NM_001256324.2); c.5738dup, p.Gln1914fs (NM_001256326.2); c.5840dup, p.Gln1948fs (NM_198377.3, NM_198380.3); c.5771dup, p.Gln1925fs (NM_198379.3, NM_198396.3); c.5873dup, p.Gln1959fs (NM_198385.3); c.5802+766dup (NM_001256325.2); c.5748+766dup (NM_198378.3, NM_001256334.2); c.5781+766dup (NM_198384.3, NM_001256333.2); and 12 more; short protein forms Q1925fs, Q1948fs, Q1914fs, Q1941fs, Q1959fs.
Identifiers: ClinVar variation 373559 (VCV000373559.1), dbSNP rs1057518482, ClinGen allele CA16043130.
Genomic context (GRCh38, chr17:50,619,769, plus strand): 5'-CCTGCTGATCCAGGGCTCCCTGGAGTGGGAGCTGAAGCTGATGGACGAGCTGGCAGGCCC[A>AG]GGGGGCCAGCCCTCTGCCTTCCCTTCTGCCCCCAGCCTGGGAGGCTCCGACCCACAGGTT-3'